The following is an entry in ClinVar:

NM_001164508.2(NEB):c.6031C>T (p.Pro2011Ser)

Gene: NEB (nebulin; minus strand). Cytogenetic location: 2q23.3.
Variant type: single nucleotide variant.
Coding change: c.6031C>T on transcript NM_001164508.2 (MANE Select); coding-DNA position 6031, C replaced by T.
Protein change: p.Pro2011Ser; replaces proline 2011 with serine.
Molecular consequence: missense variant.
Genome position (GRCh38, 1-based): chr2:151,659,109, G>A on the plus strand (C>T on the coding strand, the complement: NEB is on the minus strand). VCF-style: chr2-151659109-G-A. GRCh37 (hg19) VCF-style: chr2-152515623-G-A.
Other names: c.6031C>T, p.Pro2011Ser (NM_001164507.2, NM_001271208.2, NM_004543.5); short protein forms P2011S.
Identifiers: ClinVar variation 1968623 (VCV001968623.3), dbSNP rs1474856568, ClinGen allele CA348803067.

ClinVar aggregate classification (germline): Uncertain significance (1 of 4 stars; one submission).

Conditions:
Nemaline myopathy 2 (NEM2). Also called: Nemaline myopathy 2, autosomal recessive. Identifiers: MedGen C1850569, MONDO:0009725, OMIM 256030.

Allele frequency attached by ClinVar (database versions not stated): gnomAD exomes below 0.00001.
gnomAD v4.1: 3 of 1,612,942 alleles (0.00019%); highest among the groups gnomAD compares: Non-Finnish European, 0.000085%; no homozygotes.

Submission:

Labcorp Genetics (formerly Invitae), Labcorp
Classification: Uncertain significance for Nemaline myopathy 2. Last evaluated: 2022-12-30. Review status: criteria provided, single submitter. Criteria: Invitae Variant Classification Sherloc (09022015). Collection method: clinical testing. Allele origin: germline.
Comment: In summary, the available evidence is currently insufficient to determine the role of this variant in disease. Therefore, it has been classified as a Variant of Uncertain Significance. Algorithms developed to predict the effect of missense changes on protein structure and function are either unavailable or do not agree on the potential impact of this missense change (SIFT: "Deleterious"; PolyPhen-2: "Not Available"; Align-GVGD: "Class C0"). This variant has not been reported in the literature in individuals affected with NEB-related conditions. This variant is not present in population databases (gnomAD no frequency). This sequence change replaces proline, which is neutral and non-polar, with serine, which is neutral and polar, at codon 2011 of the NEB protein (p.Pro2011Ser).